The following is an entry in ClinVar:

NM_001077365.2(POMT1):c.499G>C (p.Val167Leu)

Gene: POMT1 (protein O-mannosyltransferase 1; plus strand). Cytogenetic location: 9q34.13.
Variant type: single nucleotide variant.
Coding change: c.499G>C on transcript NM_001077365.2 (MANE Select); coding-DNA position 499, G replaced by C.
Protein change: p.Val167Leu; replaces valine 167 with leucine.
Molecular consequence: missense variant. On other transcripts: non-coding transcript variant (8).
Genome position (GRCh38, 1-based): chr9:131,508,982, G>C. VCF-style: chr9-131508982-G-C. GRCh37 (hg19) VCF-style: chr9-134384369-G-C.
Other names: c.337G>C, p.Val113Leu (NM_001077366.2, NM_001353194.2, NM_001353197.2 and 3 more transcripts); c.499G>C, p.Val167Leu (NM_001136113.2, NM_001353193.2, NM_001374690.1 and 1 more transcripts); c.148G>C, p.Val50Leu (NM_001136114.2, NM_001353195.2, NM_001353199.2 and 2 more transcripts); c.409G>C, p.Val137Leu (NM_001353196.2); c.43G>C, p.Val15Leu (NM_001353200.2, NM_001374695.1); c.-638G>C (NM_001411024.1); c.499G>C (NM_007171.3); short protein forms V167L, V113L, V15L, V50L, V137L.
Identifiers: ClinVar variation 2187450 (VCV002187450.2), dbSNP rs757875244, ClinGen allele CA375307018.

ClinVar aggregate classification (germline): Uncertain significance. Review status: criteria provided, multiple submitters, no conflicts (2 of 4 stars). 2 submissions from 2 submitters: Uncertain significance (2). Last evaluated 2025-03-12.

Conditions:
Walker-Warburg congenital muscular dystrophy. Also called: Muscular dystrophy-dystroglycanopathy, type A; Walker-Warburg syndrome. Identifiers: Orphanet 899, MedGen C0265221, MONDO:0000171.
Autosomal recessive limb-girdle muscular dystrophy type 2K. Also called: MUSCULAR DYSTROPHY-DYSTROGLYCANOPATHY (LIMB-GIRDLE), TYPE C, 1; MUSCULAR DYSTROPHY, LIMB-GIRDLE, TYPE 2K. Identifiers: Orphanet 86812, MedGen C1836373, MONDO:0012248, OMIM 609308.
Muscular dystrophy-dystroglycanopathy (congenital with impaired intellectual development), type B, 1. Also called: Muscular dystrophy-dystroglycanopathy (congenital with intellectual disability), type B1; MUSCULAR DYSTROPHY, CONGENITAL, POMT1-RELATED. Identifiers: MedGen C5436962, MONDO:0013159, OMIM 613155.

gnomAD v4.1: 6 of 1,613,778 alleles (0.00037%); highest among the groups gnomAD compares: South Asian, 0.0066%; no homozygotes.

Submissions (2):

Revvity Omics, Revvity
Classification: Uncertain significance. Last evaluated: 2025-03-12. Review status: criteria provided, single submitter. Criteria: ACMG Guidelines, 2015. Collection method: clinical testing. Allele origin: germline.

Labcorp Genetics (formerly Invitae), Labcorp
Classification: Uncertain significance for Muscular dystrophy-dystroglycanopathy (congenital with impaired intellectual development), type B, 1; Walker-Warburg congenital muscular dystrophy; Autosomal recessive limb-girdle muscular dystrophy type 2K. Last evaluated: 2022-03-02. Review status: criteria provided, single submitter. Criteria: Invitae Variant Classification Sherloc (09022015). Collection method: clinical testing. Allele origin: germline.
Comment: This sequence change replaces valine, which is neutral and non-polar, with leucine, which is neutral and non-polar, at codon 167 of the POMT1 protein (p.Val167Leu). This variant is not present in population databases (gnomAD no frequency). This variant has not been reported in the literature in individuals affected with POMT1-related conditions. Algorithms developed to predict the effect of missense changes on protein structure and function (SIFT, PolyPhen-2, Align-GVGD) all suggest that this variant is likely to be tolerated. In summary, the available evidence is currently insufficient to determine the role of this variant in disease. Therefore, it has been classified as a Variant of Uncertain Significance.